The following is an entry in ClinVar:

ClinVar aggregate classification (germline): Uncertain significance (1 of 4 stars; one submission).

Conditions:
Aortic aneurysm, familial thoracic 7 (AAT7). Also called: AORTIC DISSECTION, FAMILIAL, WITH OR WITHOUT AORTIC ANEURYSM. Identifiers: MedGen C3151077, MONDO:0013418, OMIM 613780.

Allele frequency attached by ClinVar (database versions not stated): gnomAD exomes below 0.00001.
gnomAD v4.1: 2 of 1,614,194 alleles (0.00012%); highest among the groups gnomAD compares: Non-Finnish European, 0.00017%; no homozygotes.

Submission:

Labcorp Genetics (formerly Invitae), Labcorp
Classification: Uncertain significance for Aortic aneurysm, familial thoracic 7. Last evaluated: 2023-12-28. Review status: criteria provided, single submitter. Criteria: Invitae Variant Classification Sherloc (09022015). Collection method: clinical testing. Allele origin: germline.
Comment: This sequence change replaces glycine, which is neutral and non-polar, with arginine, which is basic and polar, at codon 222 of the MYLK protein (p.Gly222Arg). This variant is not present in population databases (gnomAD no frequency). This variant has not been reported in the literature in individuals affected with MYLK-related conditions. Advanced modeling of protein sequence and biophysical properties (such as structural, functional, and spatial information, amino acid conservation, physicochemical variation, residue mobility, and thermodynamic stability) performed at Invitae indicates that this missense variant is not expected to disrupt MYLK protein function with a negative predictive value of 95%. In summary, the available evidence is currently insufficient to determine the role of this variant in disease. Therefore, it has been classified as a Variant of Uncertain Significance.

NM_053025.4(MYLK):c.664G>A (p.Gly222Arg)

Gene: MYLK (myosin light chain kinase; minus strand). Cytogenetic location: 3q21.1.
Variant type: single nucleotide variant.
Coding change: c.664G>A on transcript NM_053025.4 (MANE Select); coding-DNA position 664, G replaced by A.
Protein change: p.Gly222Arg; replaces glycine 222 with arginine.
Molecular consequence: missense variant.
Genome position (GRCh38, 1-based): chr3:123,737,468, C>T on the plus strand (G>A on the coding strand, the complement: MYLK is on the minus strand). VCF-style: chr3-123737468-C-T. GRCh37 (hg19) VCF-style: chr3-123456315-C-T.
Other names: c.136G>A, p.Gly46Arg (NM_001321309.2); c.664G>A, p.Gly222Arg (NM_053026.4, NM_053027.4, NM_053028.4); short protein forms G222R, G46R.
Identifiers: ClinVar variation 2768521 (VCV002768521.3), dbSNP rs2474606916, ClinGen allele CA354240811.
Genomic context (GRCh38, chr3:123,737,468, plus strand): 5'-CCTTCCCCGACCCGTTCACCACCAGGCACGTGTACACTCCCACGTCATCTTGGTTGACTC[C>T]ATGGATTTCCAGAACCTGCATGCCGTTCTTCTCAGACACAGACACACGGGCACTCGGCTG-3'
Protein context (NP_444253.3, residues 212-232): KNGMQVLEIH[Gly222Arg]VNQDDVGVYT